The following is an entry in ClinVar:

NM_001369.3(DNAH5):c.11087C>T (p.Thr3696Ile)

Gene: DNAH5 (dynein axonemal heavy chain 5; minus strand). Cytogenetic location: 5p15.2.
Variant type: single nucleotide variant.
Coding change: c.11087C>T on transcript NM_001369.3 (MANE Select); coding-DNA position 11087, C replaced by T.
Protein change: p.Thr3696Ile; replaces threonine 3696 with isoleucine.
Molecular consequence: missense variant.
Genome position (GRCh38, 1-based): chr5:13,751,202, G>A on the plus strand (C>T on the coding strand, the complement: DNAH5 is on the minus strand). VCF-style: chr5-13751202-G-A. GRCh37 (hg19) VCF-style: chr5-13751311-G-A.
Other names: short protein forms T3696I.
Identifiers: ClinVar variation 2045975 (VCV002045975.1), dbSNP rs1247178605, ClinGen allele CA359189179.

ClinVar aggregate classification (germline): Uncertain significance (1 of 4 stars; one submission).

Conditions:
Primary ciliary dyskinesia. Also called: Ciliary dyskinesia. Identifiers: Orphanet 244, MedGen C0008780, MONDO:0016575, HP:0012265.

Allele frequency attached by ClinVar (database versions not stated): gnomAD exomes 0.00001.
gnomAD v4.1: 4 of 1,613,890 alleles (0.00025%); highest among the groups gnomAD compares: Admixed American, 0.0067%; no homozygotes.

Submission:

Labcorp Genetics (formerly Invitae), Labcorp
Classification: Uncertain significance for Primary ciliary dyskinesia. Last evaluated: 2021-12-25. Review status: criteria provided, single submitter. Criteria: Invitae Variant Classification Sherloc (09022015). Collection method: clinical testing. Allele origin: germline.
Comment: This sequence change replaces threonine, which is neutral and polar, with isoleucine, which is neutral and non-polar, at codon 3696 of the DNAH5 protein (p.Thr3696Ile). This variant is present in population databases (no rsID available, gnomAD 0.01%). This missense change has been observed in individual(s) with DNAH5-related conditions (Invitae). Algorithms developed to predict the effect of missense changes on protein structure and function (SIFT, PolyPhen-2, Align-GVGD) all suggest that this variant is likely to be disruptive. In summary, the available evidence is currently insufficient to determine the role of this variant in disease. Therefore, it has been classified as a Variant of Uncertain Significance.